The following is an entry in ClinVar:

ClinVar aggregate classification (germline): Likely benign (1 of 4 stars; one submission).

Conditions:
Hereditary breast ovarian cancer syndrome. Also called: Hereditary breast and ovarian cancer; Hereditary breast and ovarian cancer syndrome (HBOC); Breast and ovarian cancer; Hereditary breast and/or ovarian cancer syndrome; BRCA1- and BRCA2-Associated Hereditary Breast and Ovarian Cancer; Hereditary breast and ovarian cancer syndrome. Identifiers: Orphanet 145, MedGen C0677776, MeSH D061325, MONDO:0003582. Disease mechanism: loss of function.

Submissions (2):

Labcorp Genetics (formerly Invitae), Labcorp
Classification: Likely benign for Hereditary breast ovarian cancer syndrome. Last evaluated: 2023-11-27. Review status: criteria provided, single submitter. Criteria: Invitae Variant Classification Sherloc (09022015). Collection method: clinical testing. Allele origin: germline.

Brotman Baty Institute, University of Washington
No classification provided (evidence only). Condition: Breast-ovarian cancer, familial 1. Review status: no classification provided. Collection method: in vitro. Allele origin: not applicable. Functional consequence: functionally_normal. Not counted in ClinVar's aggregate classification.
ClinVar note: "not provided" was previously submitted as the classification for the variant. However, the classification appeared to be based only on an observation of functional data so it was converted to no classification on 2025-07-30.

NM_007294.4(BRCA1):c.5153-14T>C

Gene: BRCA1 (BRCA1 DNA repair associated; minus strand). Cytogenetic location: 17q21.31.
Variant type: single nucleotide variant.
Coding change: c.5153-14T>C on transcript NM_007294.4 (MANE Select); 14 bases into the intron before coding-DNA position 5153, T replaced by C.
Molecular consequence: intron variant.
Genome position (GRCh38, 1-based): chr17:43,063,387, A>G on the plus strand (T>C on the coding strand, the complement: BRCA1 is on the minus strand). VCF-style: chr17-43063387-A-G. GRCh37 (hg19) VCF-style: chr17-41215404-A-G.
Other names: c.1697-14T>C (NM_001408468.1, NM_001408470.1, NM_001408469.1); c.5006-14T>C (NM_001407842.1, NM_001407846.1, NM_001407850.1 and 12 more transcripts); c.5009-14T>C (NM_001407749.1, NM_001407943.1, NM_001407748.1 and 21 more transcripts); c.1580-14T>C (NM_001408501.1, NM_001408500.1, NM_001408497.1 and 3 more transcripts); c.1703-14T>C (NM_001408455.1, NM_001408452.1, NM_001408457.1 and 3 more transcripts); c.5012-14T>C (NM_001407731.1, NM_001407695.1, NM_001407726.1 and 13 more transcripts); c.4943-14T>C (NM_001407889.1, NM_001407884.1, NM_001407879.1 and 5 more transcripts); c.1313-14T>C (NM_001408513.1); and 72 more.
Identifiers: ClinVar variation 868747 (VCV000868747.8), dbSNP rs2051875817, ClinGen allele CA916080068.